The following is an entry in ClinVar:

NM_000257.4(MYH7):c.3396G>A (p.Val1132=)

Gene: MYH7 (myosin heavy chain 7; minus strand). Cytogenetic location: 14q11.2.
Variant type: single nucleotide variant.
Coding change: c.3396G>A on transcript NM_000257.4 (MANE Select); coding-DNA position 3396, G replaced by A.
Protein change: p.Val1132=; no amino-acid change (valine 1132 retained).
Molecular consequence: synonymous variant.
Genome position (GRCh38, 1-based): chr14:23,420,175, C>T on the plus strand (G>A on the coding strand, the complement: MYH7 is on the minus strand). VCF-style: chr14-23420175-C-T. GRCh37 (hg19) VCF-style: chr14-23889384-C-T.
Other names: c.3396G>A, p.Val1132= (NM_001407004.1).
Identifiers: ClinVar variation 2831267 (VCV002831267.4), dbSNP rs1205044520, ClinGen allele CA485621367.

ClinVar aggregate classification (germline): Conflicting classifications of pathogenicity. Review status: criteria provided, conflicting classifications (1 of 4 stars). 2 submissions from 2 submitters: Uncertain significance (1); Likely benign (1). Last evaluated 2024-01-03.

Conditions:
Hypertrophic cardiomyopathy. Also called: HYPERTROPHIC MYOCARDIOPATHY. Identifiers: Orphanet 217569, MedGen C0007194, MeSH D002312, MONDO:0005045, HP:0001639.
Cardiomyopathy (CMYO). Also called: Cardiomyopathies. Identifiers: Orphanet 167848, MedGen C0878544, MONDO:0004994, HP:0001638. Inheritance: Various modes of inheritance.

Submissions (2):

All of Us Research Program, National Institutes of Health
Classification: Uncertain significance for Cardiomyopathy. Last evaluated: 2024-01-03. Review status: criteria provided, single submitter. Criteria: ACMG Guidelines, 2015. Collection method: clinical testing. Allele origin: germline. Inheritance: Autosomal dominant inheritance. Observed: 2 variant alleles, 2 heterozygotes.
Comment: This variant is located in the MYH7 protein. To our knowledge, functional studies have not been reported for this variant. This variant has not been reported in individuals affected with MYH7-related disorders in the literature. This variant has not been identified in the general population by the Genome Aggregation Database (gnomAD). The available evidence is insufficient to determine the role of this variant in disease conclusively. Therefore, this variant is classified as a Variant of Uncertain Significance.

This study involves interpretation of variants in research participants for the purpose of population health screening. Participant phenotype was not available at the time of variant classification. Additional details can be found in publication PMID: 35346344, PMCID: PMC8962531

Labcorp Genetics (formerly Invitae), Labcorp
Classification: Likely benign for Hypertrophic cardiomyopathy. Last evaluated: 2023-01-23. Review status: criteria provided, single submitter. Criteria: Invitae Variant Classification Sherloc (09022015). Collection method: clinical testing. Allele origin: germline.